The following is an entry in ClinVar:

ClinVar aggregate classification (germline): Conflicting classifications of pathogenicity. Review status: criteria provided, conflicting classifications (1 of 4 stars). 6 submissions from 4 submitters: Uncertain significance (2); Benign (1); Likely benign (2). 1 of the submissions does not count toward it. Last evaluated 2020-03-02.

Conditions:
Maturity-onset diabetes of the young type 13. Also called: MODY, TYPE 13. Identifiers: Orphanet 552, MedGen C4225365, MONDO:0014589, OMIM 616329.
Maturity-onset diabetes of the young (MODY). Also called: Maturity onset diabetes mellitus in young. Identifiers: Orphanet 552, MedGen C0342276, MONDO:0018911, HP:0004904.
Diabetes mellitus, transient neonatal, 3 (TNDM3). Identifiers: Orphanet 99886, MedGen C1864623, MONDO:0012522, OMIM 610582. Disease mechanism: loss of function.
KCNJ11-related disorder. Also called: KCNJ11-related disorders; KCNJ11-related condition.
Hyperinsulinemic hypoglycemia, familial, 2. Also called: HYPERINSULINEMIC HYPOGLYCEMIA, PERSISTENT; HYPERINSULINISM, NEONATAL. Identifiers: Orphanet 276580, Orphanet 276603, MedGen C2931833, MONDO:0011153, OMIM 601820. Disease mechanism: loss of function.

Allele frequency attached by ClinVar (database versions not stated): TOPMed 0.00291; 1000 Genomes Project 0.00300; gnomAD exomes 0.00322; gnomAD 0.00352 and 0.00362; 1000 Genomes Project 30x 0.00359.
gnomAD v4.1: 972 of 291,628 alleles (0.33%); highest among the groups gnomAD compares: South Asian, 0.49%; 4 homozygotes.

Submissions (6):

Genetic Services Laboratory, University of Chicago
Classification: Likely benign. Last evaluated: 2020-03-02. Review status: criteria provided, single submitter. Criteria: ACMG Guidelines, 2015. Collection method: clinical testing. Allele origin: germline. Affected: no.

Illumina Laboratory Services, Illumina
Classification: Benign for Diabetes mellitus, transient neonatal, 3. Last evaluated: 2018-01-13. Review status: criteria provided, single submitter. Criteria: ICSL Variant Classification Criteria 13 December 2019. Collection method: clinical testing. Allele origin: germline.
Comment: This variant was observed in the ICSL laboratory as part of a predisposition screen in an ostensibly healthy population. It had not been previously curated by ICSL or reported in the Human Gene Mutation Database (HGMD: prior to June 1st, 2018), and was therefore a candidate for classification through an automated scoring system. Utilizing variant allele frequency, disease prevalence and penetrance estimates, and inheritance mode, an automated score was calculated to assess if this variant is too frequent to cause the disease. Based on the score and internal cut-off values, a variant classified as benign is not then subjected to further curation. The score for this variant resulted in a classification of benign for this disease.

Illumina Laboratory Services, Illumina
Classification: Uncertain significance for Hyperinsulinemic hypoglycemia, familial, 2. Last evaluated: 2018-01-13. Review status: criteria provided, single submitter. Criteria: ICSL Variant Classification Criteria 13 December 2019. Collection method: clinical testing. Allele origin: germline.

Illumina Laboratory Services, Illumina
Classification: Likely benign for Maturity-onset diabetes of the young type 13. Last evaluated: 2018-01-13. Review status: criteria provided, single submitter. Criteria: ICSL Variant Classification Criteria 13 December 2019. Collection method: clinical testing. Allele origin: germline.
Comment: This variant was observed in the ICSL laboratory as part of a predisposition screen in an ostensibly healthy population. It had not been previously curated by ICSL or reported in the Human Gene Mutation Database (HGMD: prior to June 1st, 2018), and was therefore a candidate for classification through an automated scoring system. Utilizing variant allele frequency, disease prevalence and penetrance estimates, and inheritance mode, an automated score was calculated to assess if this variant is too frequent to cause the disease. Based on the score and internal cut-off values, a variant classified as likely benign is not then subjected to further curation. The score for this variant resulted in a classification of likely benign for this disease.

Clinical Genomics, Uppaluri K&H Personalized Medicine Clinic
Classification: Uncertain significance for Maturity-onset diabetes of the young. Review status: criteria provided, single submitter. Criteria: K & H Uppaluri Personalized Medicine Clinic Variant Classification & Assertion Criteria_Updated V.1. Collection method: research. Allele origin: somatic. Inheritance: Autosomal dominant inheritance.
Comment: Mutations in KCNJ11 gene can cause decreased production and secretion of insulin. This can lead to MODY which may be responsive to oral sulfonylureas. It is also associated with Neonatal Diabetes. However, no sufficient evidence is found to ascertain the role of this particular variant (rs529946415) in MODY yet.

PreventionGenetics, part of Exact Sciences
Classification: Likely benign for KCNJ11-related condition. Last evaluated: 2024-08-14. Review status: no assertion criteria provided. Collection method: clinical testing. Allele origin: germline. Not counted in ClinVar's aggregate classification.
Comment: This variant is classified as likely benign based on ACMG/AMP sequence variant interpretation guidelines (Richards et al. 2015 PMID: 25741868, with internal and published modifications).

Literature cited by the submitters: PubMed 26448950 (cited by Clinical Genomics, Uppaluri K&H Personalized Medicine Clinic); PubMed 15580558 (cited by Clinical Genomics, Uppaluri K&H Personalized Medicine Clinic); PubMed 15718250 (cited by Clinical Genomics, Uppaluri K&H Personalized Medicine Clinic); PubMed 32935446 (cited by Clinical Genomics, Uppaluri K&H Personalized Medicine Clinic); PubMed 22701567 (cited by Clinical Genomics, Uppaluri K&H Personalized Medicine Clinic).

NM_000525.4(KCNJ11):c.-498T>C

Gene: KCNJ11 (potassium inwardly rectifying channel subfamily J member 11; minus strand). Cytogenetic location: 11p15.1.
Variant type: single nucleotide variant.
Coding change: c.-498T>C on transcript NM_000525.4 (MANE Select); 498 bases upstream of the start codon, T replaced by C.
Molecular consequence: 5 prime UTR variant. On other transcripts: intron variant (3).
Genome position (GRCh38, 1-based): chr11:17,388,589, A>G on the plus strand (T>C on the coding strand, the complement: KCNJ11 is on the minus strand). VCF-style: chr11-17388589-A-G. GRCh37 (hg19) VCF-style: chr11-17410136-A-G.
Other names: c.-17+585T>C (NM_001166290.2); c.-17+252T>C (NM_001377297.1); c.-76+252T>C (NM_001377296.1).
Identifiers: ClinVar variation 303742 (VCV000303742.11), dbSNP rs529946415, ClinGen allele CA10630462.